The following is an entry in ClinVar:

ClinVar aggregate classification (germline): Uncertain significance. Review status: criteria provided, multiple submitters, no conflicts (2 of 4 stars). 2 submissions from 2 submitters: Uncertain significance (2). Last evaluated 2025-08-26.

Conditions:
Inborn genetic diseases. Identifiers: MedGen C0950123, MeSH D030342.

Allele frequency attached by ClinVar (database versions not stated): gnomAD 0.00001; TOPMed 0.00001.
gnomAD v4.1: 20 of 1,614,076 alleles (0.0012%); highest among the groups gnomAD compares: Admixed American, 0.005%; no homozygotes.

Submissions (2):

Ambry Genetics
Classification: Uncertain significance for Inborn genetic diseases. Last evaluated: 2025-08-26. Review status: criteria provided, single submitter. Criteria: Ambry Variant Classification Scheme 2023. Collection method: clinical testing. Allele origin: germline.

Labcorp Genetics (formerly Invitae), Labcorp
Classification: Uncertain significance. Last evaluated: 2022-08-21. Review status: criteria provided, single submitter. Criteria: Invitae Variant Classification Sherloc (09022015). Collection method: clinical testing. Allele origin: germline.
Comment: This sequence change replaces alanine, which is neutral and non-polar, with threonine, which is neutral and polar, at codon 254 of the CNTNAP1 protein (p.Ala254Thr). This variant is present in population databases (no rsID available, gnomAD 0.0009%). This variant has not been reported in the literature in individuals affected with CNTNAP1-related conditions. Algorithms developed to predict the effect of missense changes on protein structure and function (SIFT, PolyPhen-2, Align-GVGD) all suggest that this variant is likely to be tolerated. In summary, the available evidence is currently insufficient to determine the role of this variant in disease. Therefore, it has been classified as a Variant of Uncertain Significance.

NM_003632.3(CNTNAP1):c.760G>A (p.Ala254Thr)

Gene: CNTNAP1 (contactin associated protein 1; plus strand). Cytogenetic location: 17q21.2.
Variant type: single nucleotide variant.
Coding change: c.760G>A on transcript NM_003632.3 (MANE Select); coding-DNA position 760, G replaced by A.
Protein change: p.Ala254Thr; replaces alanine 254 with threonine.
Molecular consequence: missense variant.
Genome position (GRCh38, 1-based): chr17:42,686,001, G>A. VCF-style: chr17-42686001-G-A. GRCh37 (hg19) VCF-style: chr17-40838019-G-A.
Other names: c.760G>A (NM_003632.2); short protein forms A254T.
Identifiers: ClinVar variation 1939175 (VCV001939175.3), dbSNP rs1049892466, ClinGen allele CA290790963.
Genomic context (GRCh38, chr17:42,686,001, plus strand): 5'-CCTGCCCCACCCTCAGGCAGCAGCCCTATCCAGCCAAGACCAGGTCACACCACCGTGAGC[G>A]CAGGCGGAGTCCTCAATGACCAGCACTGGCACTATGTGCGGGTGGACCGATTTGGCCGCG-3'
Protein context (NP_003623.1, residues 244-264): QPRPGHTTVS[Ala254Thr]GGVLNDQHWH